The following is an entry in ClinVar:

ClinVar aggregate classification (germline): Uncertain significance (1 of 4 stars; one submission).

Conditions:
MIR17HG-related disorder. Also called: MIR17HG-related condition.

Submission:

PreventionGenetics, part of Exact Sciences
Classification: Uncertain significance for MIR17HG-related condition. Last evaluated: 2026-07-02. Review status: criteria provided, single submitter. Criteria: ACMG Guidelines, 2015. Collection method: clinical testing. Allele origin: germline.
Comment: The MIR17HG n.2294A>G is a noncoding alteration. To our knowledge, this variant has not been reported in the literature or in a large population database (gnomAD), indicating this variant is rare. At this time, the clinical significance of this variant is uncertain due to the absence of conclusive functional and genetic evidence.

NR_197388.1(MIR17HG):n.2042A>G

Gene: MIR17HG (miR-17-92a-1 cluster host gene; plus strand). Cytogenetic location: 13q31.3.
Variant type: single nucleotide variant.
Molecular consequence: non-coding transcript variant (on NR_197388.1).
Genome position: GRCh38 VCF-style: chr13-91351851-A-G. GRCh37 (hg19) VCF-style: chr13-92004105-A-G.
Identifiers: ClinVar variation 4979601 (VCV004979601.1).
Genomic context (GRCh38, chr13:91,351,851, plus strand): 5'-CTCTGTTTAAAGCAATGTGTAAAGATGAGTTTTTTTAAGCATGGAATTTAGGGTTGGGGT[A>G]CAATTTGTTTCTATTAAGCAAGTACCAGTTTACCAATACATGAGTAACTGAAGTGTAACT-3'